The following is an entry in ClinVar:

ClinVar aggregate classification (germline): Likely benign. Review status: criteria provided, multiple submitters, no conflicts (2 of 4 stars). 2 submissions from 2 submitters: Likely benign (2). Last evaluated 2024-01-31.

Conditions:
Isovaleryl-CoA dehydrogenase deficiency (IVA). Also called: Classic Isovaleric Acidemia; IVD DEFICIENCY; Isovaleric acidemia; ISOVALERIC ACID CoA DEHYDROGENASE DEFICIENCY. Identifiers: Orphanet 33, MedGen C0268575, MONDO:0009475, OMIM 243500.

Allele frequency attached by ClinVar (database versions not stated): gnomAD 0.00001; ExAC 0.00002; gnomAD exomes 0.00002; TOPMed 0.00003; ESP Exome Variant Server 0.00008.
gnomAD v4.1: 35 of 1,611,540 alleles (0.0022%); highest among the groups gnomAD compares: Middle Eastern, 0.036%; no homozygotes.

Submissions (2):

Labcorp Genetics (formerly Invitae), Labcorp
Classification: Likely benign for Isovaleryl-CoA dehydrogenase deficiency. Last evaluated: 2024-01-31. Review status: criteria provided, single submitter. Criteria: Invitae Variant Classification Sherloc (09022015). Collection method: clinical testing. Allele origin: germline.

GeneDx
Classification: Likely benign. Last evaluated: 2017-06-13. Review status: criteria provided, single submitter. Criteria: GeneDx Variant Classification (06012015). Collection method: clinical testing. Allele origin: germline. Affected: yes.
Comment: This variant is considered likely benign or benign based on one or more of the following criteria: it is a conservative change, it occurs at a poorly conserved position in the protein, it is predicted to be benign by multiple in silico algorithms, and/or has population frequency not consistent with disease.

NM_002225.5(IVD):c.123G>C (p.Gly41=)

Gene: IVD (isovaleryl-CoA dehydrogenase; plus strand). Cytogenetic location: 15q15.1.
Variant type: single nucleotide variant.
Coding change: c.123G>C on transcript NM_002225.5 (MANE Select); coding-DNA position 123, G replaced by C.
Protein change: p.Gly41=; no amino-acid change (glycine 41 retained).
Molecular consequence: synonymous variant. On other transcripts: 5 prime UTR variant (1), non-coding transcript variant (1).
Genome position (GRCh38, 1-based): chr15:40,405,950, G>C. VCF-style: chr15-40405950-G-C. GRCh37 (hg19) VCF-style: chr15-40698151-G-C.
Other names: c.123G>C, p.Gly41= (NM_001159508.3, NM_001354598.3, NM_001354599.3 and 2 more transcripts); c.-305G>C (NM_001354597.3).
Identifiers: ClinVar variation 517883 (VCV000517883.8), dbSNP rs139179135, ClinGen allele CA7480485.